The following is an entry in ClinVar:

ClinVar aggregate classification (germline): Pathogenic/Likely pathogenic. Review status: criteria provided, multiple submitters, no conflicts (2 of 4 stars). 5 submissions from 5 submitters: Pathogenic (1); Likely pathogenic (4). Last evaluated 2025-03-06.

Conditions:
Retinitis pigmentosa (RP). Identifiers: Orphanet 791, MedGen C0035334, MeSH D012174, MONDO:0019200, OMIM 268000. Inheritance: Autosomal dominant, autosomal recessive and X linked inheritance.
Usher syndrome. Also called: Usher Syndromes; Usher's syndrome. Identifiers: Orphanet 886, MedGen CN469326, MeSH D052245, MONDO:0019501. Disease mechanism: loss of function.
USH2A-related disorder. Also called: USH2A-related condition; USH2A-related disorders. Identifiers: MedGen CN239332.
Usher syndrome type 2A. Also called: RETINAL DISEASE IN USHER SYNDROME TYPE IIA, MODIFIER OF; USHER SYNDROME, TYPE IIA. Identifiers: Orphanet 231178, Orphanet 886, MedGen C1848634, MONDO:0010169, OMIM 276901.
Retinitis pigmentosa 39 (RP39). Identifiers: Orphanet 791, MedGen C3151138, MONDO:0013436, OMIM 613809.

gnomAD v4.1: 1 of 1,613,912 alleles (0.000062%); highest among the groups gnomAD compares: Non-Finnish European, 0.000085%; no homozygotes.

Submissions (5):

Labcorp Genetics (formerly Invitae), Labcorp
Classification: Pathogenic. Last evaluated: 2025-03-06. Review status: criteria provided, single submitter. Criteria: Invitae Variant Classification Sherloc (09022015). Collection method: clinical testing. Allele origin: germline.
Comment: This sequence change replaces cysteine, which is neutral and slightly polar, with serine, which is neutral and polar, at codon 536 of the USH2A protein (p.Cys536Ser). This variant is not present in population databases (gnomAD no frequency). This missense change has been observed in individual(s) with clinical features of Usher syndrome (PMID: 16963483, 31998945; internal data). ClinVar contains an entry for this variant (Variation ID: 1297136). Invitae Evidence Modeling of protein sequence and biophysical properties (such as structural, functional, and spatial information, amino acid conservation, physicochemical variation, residue mobility, and thermodynamic stability) indicates that this missense variant is expected to disrupt USH2A protein function with a positive predictive value of 95%. This variant disrupts the p.Cys536 amino acid residue in USH2A. Other variant(s) that disrupt this residue have been determined to be pathogenic (PMID: 10909849, 28559085). This suggests that this residue is clinically significant, and that variants that disrupt this residue are likely to be disease-causing. For these reasons, this variant has been classified as Pathogenic.

Broad Center for Mendelian Genomics, Broad Institute of MIT and Harvard
Classification: Likely pathogenic for Retinitis pigmentosa. Last evaluated: 2025-01-09. Review status: criteria provided, single submitter. Criteria: ACMG Guidelines, 2015. Collection method: curation. Allele origin: germline. Inheritance: Autosomal recessive inheritance. Affected: yes.
Comment: This variant was detected in the compound heterozygous state along with a pathogenic variant (Variation ID: 2356). The phase of these variants are unknown at this time. The p.Cys536Ser variant in USH2A has been reported in 1 individual with Usher syndrome and Retinitis Pigmentosa (PMID: 38219857), and has been identified in 0.000085% (1/1179878) of European (non-Finnish) chromosomes by the Genome Aggregation Database (gnomAD; dbSNP rs111033273). Although this variant has been seen in the general population in a heterozygous state, its frequency is low enough to be consistent with a recessive carrier frequency. This variant has also been reported in ClinVar (Variation ID: 1297136) and has been interpreted as pathogenic by Labcorp and likely pathogenic by Women's Health and Genetics/Laboratory Corporation of America (LabCorp). Of the 2 affected individuals, both were compound heterozygotes that carried a reported pathogenic variant in trans or with unknown phase, which increases the likelihood that the p.Cys536Ser variant is pathogenic (Variation ID: 2356, 2351; PMID: 34906470, 31998945). Computational prediction tools and conservation analyses suggest that this variant may impact the protein, though this information is not predictive enough to determine pathogenicity. One additional pathogenic variant, resulting in a different amino acid change at the same position (p.Cys536Arg) has been reported in association with disease in the literature, supporting that a change at this position may not be tolerated (Variation ID: 48471). In summary, although additional studies are required to fully establish its clinical significance, this variant is likely pathogenic for autosomal recessive retinitis pigmentosa. ACMG/AMP Criteria applied: PM3, PP3_moderate, PM2_supporting, PM5_supporting (Richards 2015).

Fulgent Genetics
Classification: Likely pathogenic for Usher syndrome type 2A; Retinitis pigmentosa 39. Last evaluated: 2024-03-20. Review status: criteria provided, single submitter. Criteria: ACMG Guidelines, 2015. Collection method: clinical testing. Allele origin: germline.

Women's Health and Genetics/Laboratory Corporation of America, LabCorp
Classification: Likely pathogenic for Usher syndrome. Last evaluated: 2024-03-18. Review status: criteria provided, single submitter. Criteria: LabCorp Variant Classification Summary - May 2015. Collection method: clinical testing. Allele origin: germline.
Comment: Variant summary: USH2A c.1606T>A (p.Cys536Ser) results in a non-conservative amino acid change located in the Laminin-type EGF domain (IPR002049) of the encoded protein sequence. Five of five in-silico tools predict a damaging effect of the variant on protein function. The variant was absent in 250998 control chromosomes (gnomAD). c.1606T>A has been reported in the literature in individuals affected with Usher Syndrome. These data indicate that the variant may be associated with disease. To our knowledge, no experimental evidence demonstrating an impact on protein function has been reported. Another missense change affecting this amino acid has been determined to be pathogenic (p.Cys536Arg), suggesting this may be a functionally important residue. The following publications have been ascertained in the context of this evaluation (PMID: 16963483, 31998945, 34203967). ClinVar contains an entry for this variant (Variation ID: 1297136). Based on the evidence outlined above, the variant was classified as likely pathogenic.

Blueprint Genetics
Classification: Likely pathogenic for USH2A-related disorders. Last evaluated: 2024-03-15. Review status: criteria provided, single submitter. Criteria: ACMG Guidelines, 2015. Collection method: clinical testing. Allele origin: germline. Affected: yes. Observed: 2 variant alleles.

Literature cited by the submitters: PubMed 16963483 (cited by Labcorp Genetics (formerly Invitae), Labcorp and Women's Health and Genetics/Laboratory Corporation of America, LabCorp); PubMed 31998945 (cited by Labcorp Genetics (formerly Invitae), Labcorp and Women's Health and Genetics/Laboratory Corporation of America, LabCorp); PubMed 10909849 (cited by Labcorp Genetics (formerly Invitae), Labcorp); PubMed 28559085 (cited by Labcorp Genetics (formerly Invitae), Labcorp); PubMed 34906470 (cited by Broad Center for Mendelian Genomics, Broad Institute of MIT and Harvard); PubMed 34203967 (cited by Women's Health and Genetics/Laboratory Corporation of America, LabCorp).

NM_206933.4(USH2A):c.1606T>A (p.Cys536Ser)

Gene: USH2A (usherin; minus strand). Cytogenetic location: 1q41.
Variant type: single nucleotide variant.
Coding change: c.1606T>A on transcript NM_206933.4 (MANE Select); coding-DNA position 1606, T replaced by A.
Protein change: p.Cys536Ser; replaces cysteine 536 with serine.
Molecular consequence: missense variant.
Genome position (GRCh38, 1-based): chr1:216,321,921, A>T on the plus strand (T>A on the coding strand, the complement: USH2A is on the minus strand). VCF-style: chr1-216321921-A-T. GRCh37 (hg19) VCF-style: chr1-216495263-A-T.
Other names: c.1606T>A, p.Cys536Ser (NM_007123.6); short protein forms C536S.
Identifiers: ClinVar variation 1297136 (VCV001297136.11), dbSNP rs111033273, ClinGen allele CA344907733.